The following is an entry in ClinVar:

NM_001267550.2(TTN):c.94180_94181delinsTCTAGCAG (p.Pro31394delinsSerSerSer)

Genes: TTN (titin; minus strand), TTN-AS1 (TTN antisense RNA 1; plus strand). Cytogenetic location: 2q31.2.
Variant type: Indel.
Coding change: c.94180_94181delinsTCTAGCAG on transcript NM_001267550.2 (MANE Select); coding-DNA positions 94180 to 94181, CC replaced by TCTAGCAG.
Protein change: p.Pro31394delinsSerSerSer.
Molecular consequence: inframe indel.
Genome position (GRCh38, 1-based): chr2:178,547,445-178,547,446, GG replaced by CTGCTAGA on the plus strand (CC replaced by TCTAGCAG on the coding strand, the reverse complement: TTN is on the minus strand). VCF-style: chr2-178547445-GG-CTGCTAGA. GRCh37 (hg19) VCF-style: chr2-179412172-GG-CTGCTAGA.
Other names: c.89257_89258delinsTCTAGCAG, p.Pro29753delinsSerSerSer (NM_001256850.1); c.66985_66986delinsTCTAGCAG, p.Pro22329delinsSerSerSer (NM_003319.4); c.86476_86477delinsTCTAGCAG, p.Pro28826delinsSerSerSer (NM_133378.4); c.67360_67361delinsTCTAGCAG, p.Pro22454delinsSerSerSer (NM_133432.3); c.67561_67562delinsTCTAGCAG, p.Pro22521delinsSerSerSer (NM_133437.4); c.66985_66986delCCinsTCTAGCAG (NM_003319.4).
Identifiers: ClinVar variation 1754931 (VCV001754931.3), dbSNP rs2469095456, ClinGen allele CA2580064569.

ClinVar aggregate classification (germline): Uncertain significance (1 of 4 stars; one submission).

Conditions:
Cardiovascular phenotype. Identifiers: MedGen CN230736.

Submission:

Ambry Genetics
Classification: Uncertain significance for Cardiovascular phenotype. Last evaluated: 2024-08-05. Review status: criteria provided, single submitter. Criteria: Ambry Variant Classification Scheme 2023. Collection method: clinical testing. Allele origin: germline.
Comment: The c.66985_66986delCCinsTCTAGCAG variant, located in coding exon 166 of the TTN gene, results from an in-frame deletion of CC and insertion of TCTAGCAG at nucleotide positions 66985 to 66986. This results in the substitution of the proline residue for three serine residues at codon 22329, an amino acid with highly similar properties. This amino acid position is well conserved in available vertebrate species. In addition, this alteration is predicted to be deleterious by in silico analysis (Choi Y et al. PLoS ONE. 2012; 7(10):e46688). Since supporting evidence is limited at this time, the clinical significance of this alteration remains unclear.